The following is an entry in ClinVar:

NM_001085458.2(CTNND1):c.313C>T (p.Pro105Ser)

Genes: CTNND1 (catenin delta 1; plus strand), TMX2-CTNND1 (TMX2-CTNND1 readthrough (NMD candidate); plus strand). Cytogenetic location: 11q12.1.
Variant type: single nucleotide variant.
Coding change: c.313C>T on transcript NM_001085458.2 (MANE Select); coding-DNA position 313, C replaced by T.
Protein change: p.Pro105Ser; replaces proline 105 with serine.
Molecular consequence: missense variant. On other transcripts: non-coding transcript variant (1).
Genome position (GRCh38, 1-based): chr11:57,795,622, C>T. VCF-style: chr11-57795622-C-T. GRCh37 (hg19) VCF-style: chr11-57563094-C-T.
Other names: c.313C>T, p.Pro105Ser (NM_001085459.2, NM_001085460.2, NM_001085461.2 and 3 more transcripts); c.10C>T, p.Pro4Ser (NM_001085463.2, NM_001085464.2, NM_001085465.2 and 5 more transcripts); c.151C>T, p.Pro51Ser (NM_001206883.2, NM_001206884.2, NM_001206886.2 and 4 more transcripts); short protein forms P105S, P4S, P51S.
Identifiers: ClinVar variation 2499248 (VCV002499248.1), dbSNP rs2497098250, ClinGen allele CA380723568.

ClinVar aggregate classification (germline): Uncertain significance (1 of 4 stars; one submission).

Submission:

GeneDx
Classification: Uncertain significance. Last evaluated: 2022-10-17. Review status: criteria provided, single submitter. Criteria: GeneDx Variant Classification Process June 2021. Collection method: clinical testing. Allele origin: germline. Affected: yes.
Comment: Not observed at significant frequency in large population cohorts (gnomAD); In silico analysis supports that this missense variant has a deleterious effect on protein structure/function; Has not been previously published as pathogenic or benign to our knowledge